The following is an entry in ClinVar:

NM_000051.4(ATM):c.3117A>G (p.Arg1039=)

Gene: ATM (ATM serine/threonine kinase; plus strand). Cytogenetic location: 11q22.3.
Variant type: single nucleotide variant.
Coding change: c.3117A>G on transcript NM_000051.4 (MANE Select); coding-DNA position 3117, A replaced by G.
Protein change: p.Arg1039=; no amino-acid change (arginine 1039 retained).
Molecular consequence: synonymous variant.
Genome position (GRCh38, 1-based): chr11:108,272,571, A>G. VCF-style: chr11-108272571-A-G. GRCh37 (hg19) VCF-style: chr11-108143298-A-G.
Other names: c.3117A>G, p.Arg1039= (NM_001351834.2).
Identifiers: ClinVar variation 414569 (VCV000414569.14), dbSNP rs55784207, ClinGen allele CA16613318.

ClinVar aggregate classification (germline): Benign/Likely benign. Review status: criteria provided, multiple submitters, no conflicts (2 of 4 stars). 3 submissions from 3 submitters: Benign (1); Likely benign (2). Last evaluated 2024-05-13.

Conditions:
Hereditary cancer-predisposing syndrome. Also called: Tumor predisposition; Neoplastic Syndromes, Hereditary; Hereditary Cancer Syndrome; Hereditary neoplastic syndrome. Identifiers: Orphanet 140162, MedGen C0027672, MeSH D009386, MONDO:0015356.
Familial cancer of breast. Also called: Hereditary breast cancer; BREAST CANCER, FAMILIAL; hereditary breast carcinoma. Identifiers: Orphanet 227535, MedGen C0346153, MONDO:0016419, OMIM 114480. Disease mechanism: loss of function.
Ataxia-telangiectasia syndrome (AT). Also called: Ataxia-telangiectasia; Cerebello-oculocutaneous telangiectasia; Immunodeficiency with ataxia telangiectasia; ATAXIA-TELANGIECTASIA, COMPLEMENTATION GROUP A; ATAXIA-TELANGIECTASIA, FRESNO VARIANT; Ataxia-telangiectasia, complementation group D. Identifiers: Orphanet 100, MedGen C0004135, MONDO:0008840, OMIM 208900.

Submissions (3):

Myriad Genetics, Inc.
Classification: Benign for Familial cancer of breast. Last evaluated: 2024-05-13. Review status: criteria provided, single submitter. Criteria: Myriad Autosomal Dominant, Autosomal Recessive and X-Linked Classification Criteria (2023). Collection method: clinical testing. Allele origin: unknown.
Comment: This variant is considered benign. This variant is a silent/synonymous amino acid change and it is not expected to impact splicing.

Ambry Genetics
Classification: Likely benign for Hereditary cancer-predisposing syndrome. Last evaluated: 2016-06-09. Review status: criteria provided, single submitter. Criteria: Ambry Variant Classification Scheme 2023. Collection method: clinical testing. Allele origin: germline.

Labcorp Genetics (formerly Invitae), Labcorp
Classification: Likely benign for Ataxia-telangiectasia syndrome. Last evaluated: 2016-05-06. Review status: criteria provided, single submitter. Criteria: Invitae Variant Classification Sherloc (09022015). Collection method: clinical testing. Allele origin: germline.